The following is an entry in ClinVar:

ClinVar aggregate classification (germline): Uncertain significance (1 of 4 stars; one submission).

Conditions:
Autosomal dominant nonsyndromic hearing loss 1. Also called: DEAFNESS, AUTOSOMAL DOMINANT 1, WITH OR WITHOUT THROMBOCYTOPENIA; KONIGSMARK SYNDROME. Identifiers: Orphanet 90635, MedGen C1852282, MONDO:0007424, OMIM 124900.
Progressive microcephaly-seizures-cortical blindness-developmental delay syndrome. Also called: Seizures, cortical blindness, and microcephaly syndrome. Identifiers: Orphanet 477814, MedGen C5567650, MONDO:0014714, OMIM 616632.

gnomAD v4.1: 1 of 1,614,216 alleles (0.000062%); highest among the groups gnomAD compares: Non-Finnish European, 0.000085%; no homozygotes.

Submission:

Labcorp Genetics (formerly Invitae), Labcorp
Classification: Uncertain significance for Progressive microcephaly-seizures-cortical blindness-developmental delay syndrome; Autosomal dominant nonsyndromic hearing loss 1. Last evaluated: 2025-08-04. Review status: criteria provided, single submitter. Criteria: Invitae Variant Classification Sherloc (09022015). Collection method: clinical testing. Allele origin: germline.
Comment: This sequence change replaces glycine, which is neutral and non-polar, with valine, which is neutral and non-polar, at codon 135 of the DIAPH1 protein (p.Gly135Val). This variant is not present in population databases (gnomAD no frequency). This variant has not been reported in the literature in individuals affected with DIAPH1-related conditions. Experimental studies and prediction algorithms are not available or were not evaluated, and the functional significance of this variant is currently unknown. In summary, the available evidence is currently insufficient to determine the role of this variant in disease. Therefore, it has been classified as a Variant of Uncertain Significance.

NM_005219.5(DIAPH1):c.404G>T (p.Gly135Val)

Gene: DIAPH1 (diaphanous related formin 1; minus strand). Cytogenetic location: 5q31.3.
Variant type: single nucleotide variant.
Coding change: c.404G>T on transcript NM_005219.5 (MANE Select); coding-DNA position 404, G replaced by T.
Protein change: p.Gly135Val; replaces glycine 135 with valine.
Molecular consequence: missense variant.
Genome position (GRCh38, 1-based): chr5:141,583,614, C>A on the plus strand (G>T on the coding strand, the complement: DIAPH1 is on the minus strand). VCF-style: chr5-141583614-C-A. GRCh37 (hg19) VCF-style: chr5-140963181-C-A.
Other names: c.377G>T, p.Gly126Val (NM_001079812.3); c.404G>T, p.Gly135Val (NM_001314007.2); short protein forms G135V, G126V.
Identifiers: ClinVar variation 4793610 (VCV004793610.1).